The following is an entry in ClinVar:

NM_001261826.3(AP3D1):c.1390G>A (p.Asp464Asn)

Gene: AP3D1 (adaptor related protein complex 3 subunit delta 1; minus strand). Cytogenetic location: 19p13.3.
Variant type: single nucleotide variant.
Coding change: c.1390G>A on transcript NM_001261826.3 (MANE Select); coding-DNA position 1390, G replaced by A.
Protein change: p.Asp464Asn; replaces aspartic acid 464 with asparagine.
Molecular consequence: missense variant.
Genome position (GRCh38, 1-based): chr19:2,120,953, C>T on the plus strand (G>A on the coding strand, the complement: AP3D1 is on the minus strand). VCF-style: chr19-2120953-C-T. GRCh37 (hg19) VCF-style: chr19-2120952-C-T.
Other names: c.1390G>A, p.Asp464Asn (NM_001374799.1, NM_003938.8); short protein forms D464N.
Identifiers: ClinVar variation 2612228 (VCV002612228.3), dbSNP rs200748187, ClinGen allele CA9059329.

ClinVar aggregate classification (germline): Uncertain significance. Review status: criteria provided, multiple submitters, no conflicts (2 of 4 stars). 2 submissions from 2 submitters: Uncertain significance (2). Last evaluated 2025-05-14.

Conditions:
Inborn genetic diseases. Identifiers: MedGen C0950123, MeSH D030342.

Allele frequency attached by ClinVar (database versions not stated): ExAC 0.00001; gnomAD exomes 0.00001; TOPMed 0.00001; gnomAD 0.00002.

Submissions (2):

Labcorp Genetics (formerly Invitae), Labcorp
Classification: Uncertain significance. Last evaluated: 2025-05-14. Review status: criteria provided, single submitter. Criteria: Invitae Variant Classification Sherloc (09022015). Collection method: clinical testing. Allele origin: germline.
Comment: This sequence change replaces aspartic acid, which is acidic and polar, with asparagine, which is neutral and polar, at codon 464 of the AP3D1 protein (p.Asp464Asn). This variant is present in population databases (rs200748187, gnomAD 0.002%). This variant has not been reported in the literature in individuals affected with AP3D1-related conditions. ClinVar contains an entry for this variant (Variation ID: 2612228). An algorithm developed to predict the effect of missense changes on protein structure and function (PolyPhen-2) suggests that this variant is likely to be disruptive. In summary, the available evidence is currently insufficient to determine the role of this variant in disease. Therefore, it has been classified as a Variant of Uncertain Significance.

Ambry Genetics
Classification: Uncertain significance for Inborn genetic diseases. Last evaluated: 2023-07-17. Review status: criteria provided, single submitter. Criteria: Ambry Variant Classification Scheme 2023. Collection method: clinical testing. Allele origin: germline.